The following is an entry in ClinVar:

NM_001378964.1(CDON):c.1494del (p.Lys497_Tyr498insTer)

Gene: CDON (cell adhesion associated, oncogene regulated; minus strand). Cytogenetic location: 11q24.2.
Variant type: Deletion.
Coding change: c.1494del on transcript NM_001378964.1 (MANE Select); coding-DNA position 1494, one base deleted (C; older notation c.1494delC).
Protein change: p.Lys497_Tyr498insTer.
Molecular consequence: nonsense. On other transcripts: frameshift variant (3).
Genome position (GRCh38, 1-based): chr11:126,010,399, G deleted on the plus strand (C on the coding strand, the reverse complement: CDON is on the minus strand). VCF-style (leftmost placement, unchanged base first): chr11-126010398-TG-T. GRCh37 (hg19) VCF-style: chr11-125880293-TG-T.
Other names: c.1494delC, p.Tyr498Terfs (NM_001243597.3, NM_016952.4, NM_016952.6).
Identifiers: ClinVar variation 1417558 (VCV001417558.7), dbSNP rs771168451, ClinGen allele CA6352023.
Genomic context (GRCh38, chr11:126,010,398, plus strand): 5'-CACCAACCATGAGAGATGCTTCTGCCTGTGTGGTACCATGTTCATTTGCAGCTTCGCAGA[TG>T]TATTTCCCCGCATGTTCCTGAGTCACAGCCTGAATATGGAGAGAGCTTGCACCAGCTTGG-3'

ClinVar aggregate classification (germline): Uncertain significance. Review status: criteria provided, multiple submitters, no conflicts (2 of 4 stars). 2 submissions from 2 submitters: Uncertain significance (2). Last evaluated 2023-07-24.

Conditions:
Holoprosencephaly 11 (HPE11). Identifiers: Orphanet 2162, MedGen C3280215, MONDO:0013642, OMIM 614226.

Allele frequency attached by ClinVar (database versions not stated): gnomAD exomes below 0.00001; ExAC 0.00001.

Submissions (2):

GeneDx
Classification: Uncertain significance. Last evaluated: 2023-07-24. Review status: criteria provided, single submitter. Criteria: GeneDx Variant Classification Process June 2021. Collection method: clinical testing. Allele origin: germline. Affected: yes.
Comment: Nonsense variant predicted to result in protein truncation or nonsense mediated decay in a gene or region of a gene for which loss of function is not a well-established mechanism of disease; Not observed at significant frequency in large population cohorts (gnomAD); Has not been previously published as pathogenic or benign to our knowledge

Labcorp Genetics (formerly Invitae), Labcorp
Classification: Uncertain significance for Holoprosencephaly 11. Last evaluated: 2022-02-02. Review status: criteria provided, single submitter. Criteria: Invitae Variant Classification Sherloc (09022015). Collection method: clinical testing. Allele origin: germline.
Comment: In summary, the available evidence is currently insufficient to determine the role of this variant in disease. Therefore, it has been classified as a Variant of Uncertain Significance. This variant has not been reported in the literature in individuals affected with CDON-related conditions. This variant is not present in population databases (gnomAD no frequency). This sequence change creates a premature translational stop signal (p.Tyr498*) in the CDON gene. It is expected to result in an absent or disrupted protein product. However, the current clinical and genetic evidence is not sufficient to establish whether loss-of-function variants in CDON cause disease.